The following is an entry in ClinVar:

ClinVar aggregate classification (germline): Uncertain significance. Review status: criteria provided, multiple submitters, no conflicts (2 of 4 stars). 2 submissions from 2 submitters: Uncertain significance (2). Last evaluated 2019-09-24.

Conditions:
Long QT syndrome (LQTS). Identifiers: MedGen C0023976, MeSH D008133, MONDO:0002442. Disease mechanism: loss of function. Inheritance: Various modes of inheritance.
Long QT syndrome 1 (LQT1). Identifiers: Orphanet 101016, Orphanet 768, MedGen C4551647, MONDO:0100316, OMIM 192500, MONDO:0008646.

Submissions (2):

Labcorp Genetics (formerly Invitae), Labcorp
Classification: Uncertain significance for Long QT syndrome. Last evaluated: 2019-09-24. Review status: criteria provided, single submitter. Criteria: Invitae Variant Classification Sherloc (09022015). Collection method: clinical testing. Allele origin: germline.
Comment: In summary, the available evidence is currently insufficient to determine the role of this variant in disease. Therefore, it has been classified as a Variant of Uncertain Significance. Algorithms developed to predict the effect of missense changes on protein structure and function are either unavailable or do not agree on the potential impact of this missense change (SIFT: "Tolerated"; PolyPhen-2: "Probably Damaging"; Align-GVGD: "Class C0"). This variant has been observed in an individual with clinical features of long QT syndrome (Invitae). This variant is not present in population databases (ExAC no frequency). This sequence change replaces glutamine with proline at codon 565 of the KCNQ1 protein (p.Gln565Pro). The glutamine residue is moderately conserved and there is a moderate physicochemical difference between glutamine and proline.

Neuberg Centre For Genomic Medicine, NCGM
Classification: Uncertain significance for Long QT syndrome 1. Review status: criteria provided, single submitter. Criteria: ACMG Guidelines, 2015. Collection method: clinical testing. Allele origin: germline. Inheritance: Autosomal dominant inheritance. Affected: yes.
Comment: The missense variant c.1694A>C (p.Gln565Pro) in KCNQ1 gene has not been reported previously as a pathogenic variant nor as a benign variant, to our knowledge. This variant is novel (not in any individuals) in gnomAD Exomes and 1000 Genomes. It has been submitted to the ClinVar database as Uncertain Significance. The amino acid Glutamine at position 565 is changed to a Proline changing protein sequence and it might alter its composition and physicochemical properties. The variant is predicted to be damaging by both SIFT and PolyPhen2. The residue is conserved across species. For these reasons, this variant has been classified as Uncertain Significance.

NM_000218.3(KCNQ1):c.1694A>C (p.Gln565Pro)

Gene: KCNQ1 (potassium voltage-gated channel subfamily Q member 1; plus strand). Cytogenetic location: 11p15.5.
Variant type: single nucleotide variant.
Coding change: c.1694A>C on transcript NM_000218.3 (MANE Select); coding-DNA position 1694, A replaced by C.
Protein change: p.Gln565Pro; replaces glutamine 565 with proline.
Molecular consequence: missense variant.
Genome position (GRCh38, 1-based): chr11:2,776,994, A>C. VCF-style: chr11-2776994-A-C. GRCh37 (hg19) VCF-style: chr11-2798224-A-C.
Other names: c.1598A>C, p.Gln533Pro (NM_001406836.1); c.1424A>C, p.Gln475Pro (NM_001406837.1); c.1154A>C, p.Gln385Pro (NM_001406838.1); c.1313A>C, p.Gln438Pro (NM_181798.2); short protein forms Q565P, Q438P, Q385P, Q533P, Q475P.
Identifiers: ClinVar variation 940743 (VCV000940743.11), dbSNP rs1846716972, ClinGen allele CA379139279.
Genomic context (GRCh38, chr11:2,776,994, plus strand): 5'-CTGCGCAGTGCCAGGGCCAGGTGTGAACTGGTGTCTGTGTCCTTCTCTCCAGGCTGGACC[A>C]GTCCATTGGGAAGCCCTCACTGTTCATCTCCGTCTCAGGTGGGTTTCTGTGTCAGTTACT-3'
Protein context (NP_000209.2, residues 555-575): RIKELQRRLD[Gln565Pro]SIGKPSLFIS